The following is an entry in ClinVar:

ClinVar aggregate classification (germline): Likely benign (1 of 4 stars; one submission).

Conditions:
NME3-related condition.

Submission:

PreventionGenetics, part of Exact Sciences
Classification: Likely benign for NME3-related condition. Last evaluated: 2025-08-25. Review status: criteria provided, single submitter. Criteria: ACMG Guidelines, 2015. Collection method: clinical testing. Allele origin: germline.
Comment: This variant is classified as likely benign based on ACMG/AMP sequence variant interpretation guidelines (Richards et al. 2015 PMID: 25741868, with internal and published modifications).

NM_002513.3(NME3):c.46+7C>T

Genes: NME3 (NME/NM23 nucleoside diphosphate kinase 3; minus strand), LOC130058181 (ATAC-STARR-seq lymphoblastoid silent region 7001; plus strand). Cytogenetic location: 16p13.3.
Variant type: single nucleotide variant.
Coding change: c.46+7C>T on transcript NM_002513.3 (MANE Select); 7 bases into the intron after coding-DNA position 46, C replaced by T.
Molecular consequence: intron variant.
Genome position (GRCh38, 1-based): chr16:1,771,482, G>A on the plus strand (C>T on the coding strand, the complement: NME3 is on the minus strand). VCF-style: chr16-1771482-G-A. GRCh37 (hg19) VCF-style: chr16-1821483-G-A.
Identifiers: ClinVar variation 4981583 (VCV004981583.1).